The following is an entry in ClinVar:

NM_006767.4(LZTR1):c.1481G>C (p.Arg494Thr)

Gene: LZTR1 (leucine zipper like post translational regulator 1; plus strand). Cytogenetic location: 22q11.21.
Variant type: single nucleotide variant.
Coding change: c.1481G>C on transcript NM_006767.4 (MANE Select); coding-DNA position 1481, G replaced by C.
Protein change: p.Arg494Thr; replaces arginine 494 with threonine.
Molecular consequence: missense variant.
Genome position (GRCh38, 1-based): chr22:20,994,135, G>C. VCF-style: chr22-20994135-G-C. GRCh37 (hg19) VCF-style: chr22-21348424-G-C.
Other names: short protein forms R494T.
Identifiers: ClinVar variation 2769143 (VCV002769143.3), dbSNP rs1292361888, ClinGen allele CA410775565.

ClinVar aggregate classification (germline): Uncertain significance (1 of 4 stars; one submission).

Allele frequency attached by ClinVar (database versions not stated): gnomAD exomes below 0.00001.
gnomAD v4.1: 1 of 1,589,582 alleles (0.000063%); highest among the groups gnomAD compares: Non-Finnish European, 0.000086%; no homozygotes.

Submission:

Labcorp Genetics (formerly Invitae), Labcorp
Classification: Uncertain significance. Last evaluated: 2023-10-16. Review status: criteria provided, single submitter. Criteria: Invitae Variant Classification Sherloc (09022015). Collection method: clinical testing. Allele origin: germline.
Comment: This sequence change replaces arginine, which is basic and polar, with threonine, which is neutral and polar, at codon 494 of the LZTR1 protein (p.Arg494Thr). This variant is present in population databases (no rsID available, gnomAD 0.001%). This variant has not been reported in the literature in individuals affected with LZTR1-related conditions. Advanced modeling of protein sequence and biophysical properties (such as structural, functional, and spatial information, amino acid conservation, physicochemical variation, residue mobility, and thermodynamic stability) performed at Invitae indicates that this missense variant is not expected to disrupt LZTR1 protein function. In summary, the available evidence is currently insufficient to determine the role of this variant in disease. Therefore, it has been classified as a Variant of Uncertain Significance.